The following is an entry in ClinVar:

ClinVar aggregate classification (germline): Uncertain significance (1 of 4 stars; one submission).

Conditions:
Desmin-related myofibrillar myopathy (MFM1). Also called: Desminopathy; Desmin related myopathy (former name); Desmin storage myopathy (former name); Myofibrillar myopathy 1; MYOFIBRILLAR MYOPATHY WITH ARRHYTHMOGENIC RIGHT VENTRICULAR CARDIOMYOPATHY; DESMIN-RELATED MYOPATHY WITH ARRHYTHMOGENIC RIGHT VENTRICULAR CARDIOMYOPATHY. Identifiers: Orphanet 363543, Orphanet 98909, MedGen C1832370, MONDO:0011076, OMIM 601419.

Allele frequency attached by ClinVar (database versions not stated): TOPMed below 0.00001.

Submission:

Labcorp Genetics (formerly Invitae), Labcorp
Classification: Uncertain significance for Desmin-related myofibrillar myopathy. Last evaluated: 2024-05-01. Review status: criteria provided, single submitter. Criteria: Invitae Variant Classification Sherloc (09022015). Collection method: clinical testing. Allele origin: germline.
Comment: This sequence change falls in intron 2 of the DES gene. It does not directly change the encoded amino acid sequence of the DES protein. It affects a nucleotide within the consensus splice site. This variant is not present in population databases (gnomAD no frequency). This variant has not been reported in the literature in individuals affected with DES-related conditions. ClinVar contains an entry for this variant (Variation ID: 1937626). Variants that disrupt the consensus splice site are a relatively common cause of aberrant splicing (PMID: 17576681, 9536098). Algorithms developed to predict the effect of sequence changes on RNA splicing suggest that this variant may disrupt the consensus splice site. In summary, the available evidence is currently insufficient to determine the role of this variant in disease. Therefore, it has been classified as a Variant of Uncertain Significance.

Literature cited by the submitters: PubMed 17576681; PubMed 9536098.

NM_001927.4(DES):c.639+5G>A

Gene: DES (desmin; plus strand). Cytogenetic location: 2q35.
Variant type: single nucleotide variant.
Coding change: c.639+5G>A on transcript NM_001927.4 (MANE Select); 5 bases into the intron after coding-DNA position 639, G replaced by A.
Molecular consequence: intron variant.
Genome position (GRCh38, 1-based): chr2:219,420,160, G>A. VCF-style: chr2-219420160-G-A. GRCh37 (hg19) VCF-style: chr2-220284882-G-A.
Other names: c.496-365G>A (NM_001382713.1); c.639+5G>A (NM_001382712.1, NM_001382711.1, NM_001382710.1 and 1 more transcripts); c.636+8G>A (NM_001382708.1).
Identifiers: ClinVar variation 1937626 (VCV001937626.5), dbSNP rs1954407702, ClinGen allele CA1329210667.